The following is an entry in ClinVar:

ClinVar aggregate classification (germline): Benign. Review status: criteria provided, single submitter (1 of 4 stars). 2 submissions from 2 submitters: Benign (1). 1 of the submissions does not count toward it. Last evaluated 2025-08-03.

Conditions:
PLD1-related disorder. Also called: PLD1-related condition.

Allele frequency attached by ClinVar (database versions not stated): gnomAD exomes 0.00022 and 0.00051; ExAC 0.00073; gnomAD 0.00214 and 0.00232; 1000 Genomes Project 0.00220; TOPMed 0.00253; ESP Exome Variant Server 0.00269; 1000 Genomes Project 30x 0.00312.
gnomAD v4.1: 643 of 1,613,572 alleles (0.04%); highest among the groups gnomAD compares: African/African-American, 0.79%; 4 homozygotes.

Submissions (2):

Labcorp Genetics (formerly Invitae), Labcorp
Classification: Benign. Last evaluated: 2025-08-03. Review status: criteria provided, single submitter. Criteria: Invitae Variant Classification Sherloc (09022015). Collection method: clinical testing. Allele origin: germline.

PreventionGenetics, part of Exact Sciences
Classification: Likely benign for PLD1-related condition. Last evaluated: 2019-08-26. Review status: no assertion criteria provided. Collection method: clinical testing. Allele origin: germline. Not counted in ClinVar's aggregate classification.
Comment: This variant is classified as likely benign based on ACMG/AMP sequence variant interpretation guidelines (Richards et al. 2015 PMID: 25741868, with internal and published modifications).

NM_002662.5(PLD1):c.2374G>C (p.Val792Leu)

Gene: PLD1 (phospholipase D1; minus strand). Cytogenetic location: 3q26.31.
Variant type: single nucleotide variant.
Coding change: c.2374G>C on transcript NM_002662.5 (MANE Select); coding-DNA position 2374, G replaced by C.
Protein change: p.Val792Leu; replaces valine 792 with leucine.
Molecular consequence: missense variant.
Genome position (GRCh38, 1-based): chr3:171,659,268, C>G on the plus strand (G>C on the coding strand, the complement: PLD1 is on the minus strand). VCF-style: chr3-171659268-C-G. GRCh37 (hg19) VCF-style: chr3-171377058-C-G.
Other names: c.2374G>C (NM_002662.4); c.2260G>C, p.Val754Leu (NM_001130081.3); short protein forms V754L, V792L.
Identifiers: ClinVar variation 1600735 (VCV001600735.10), dbSNP rs146759449, ClinGen allele CA2704275.
Genomic context (GRCh38, chr3:171,659,268, plus strand): 5'-GTTACCTGTGAGCTTTCAGGATCCTCTGGGCAATGGCATCGCCTATCTTGTTGAACACAA[C>G]TTTGTCATCAGCACAGCTTATGAAAAACTGGTTCTATGAGAAATAAACAAGACAATCATG-3'
Protein context (NP_002653.1, residues 782-802): QFFISCADDK[Val792Leu]VFNKIGDAIA